The following is an entry in ClinVar:

ClinVar aggregate classification (germline): Likely pathogenic (1 of 4 stars; one submission).

Submission:

Institute for Clinical Genetics, University Hospital TU Dresden, University Hospital TU Dresden
Classification: Likely pathogenic. Last evaluated: 2022-05-23. Review status: criteria provided, single submitter. Criteria: ACMG Guidelines, 2015. Collection method: clinical testing. Allele origin: germline.
Comment: PVS1, PM2_SUP

NM_016032.4(ZDHHC9):c.792G>A (p.Trp264Ter)

Gene: ZDHHC9 (zDHHC palmitoyltransferase 9; minus strand). Cytogenetic location: Xq26.1.
Variant type: single nucleotide variant.
Coding change: c.792G>A on transcript NM_016032.4 (MANE Select); coding-DNA position 792, G replaced by A.
Protein change: p.Trp264Ter; replaces tryptophan 264 with a stop codon.
Molecular consequence: nonsense.
Genome position (GRCh38, 1-based): chrX:129,811,495, C>T on the plus strand (G>A on the coding strand, the complement: ZDHHC9 is on the minus strand). VCF-style: chrX-129811495-C-T. GRCh37 (hg19) VCF-style: chrX-128945471-C-T.
Other names: c.792G>A, p.Trp264Ter (NM_001008222.3); short protein forms W264*.
Identifiers: ClinVar variation 2575978 (VCV002575978.1), dbSNP rs2522182895, ClinGen allele CA414582842.